The following is an entry in ClinVar:

ClinVar aggregate classification (germline): Uncertain significance (1 of 4 stars; one submission).

Conditions:
Lysinuric protein intolerance (LPI). Identifiers: Orphanet 470, MedGen C0268647, MONDO:0009109, OMIM 222700.

Submission:

Labcorp Genetics (formerly Invitae), Labcorp
Classification: Uncertain significance for Lysinuric protein intolerance. Last evaluated: 2025-06-12. Review status: criteria provided, single submitter. Criteria: Invitae Variant Classification Sherloc (09022015). Collection method: clinical testing. Allele origin: germline.
Comment: This sequence change replaces serine, which is neutral and polar, with tyrosine, which is neutral and polar, at codon 83 of the SLC7A7 protein (p.Ser83Tyr). This variant is not present in population databases (gnomAD no frequency). This variant has not been reported in the literature in individuals affected with SLC7A7-related conditions. ClinVar contains an entry for this variant (Variation ID: 2099835). An algorithm developed to predict the effect of missense changes on protein structure and function (PolyPhen-2) suggests that this variant is likely to be disruptive. In summary, the available evidence is currently insufficient to determine the role of this variant in disease. Therefore, it has been classified as a Variant of Uncertain Significance.

NM_003982.4(SLC7A7):c.248C>A (p.Ser83Tyr)

Gene: SLC7A7 (solute carrier family 7 member 7; minus strand). Cytogenetic location: 14q11.2.
Variant type: single nucleotide variant.
Coding change: c.248C>A on transcript NM_003982.4 (MANE Select); coding-DNA position 248, C replaced by A.
Protein change: p.Ser83Tyr; replaces serine 83 with tyrosine.
Molecular consequence: missense variant.
Genome position (GRCh38, 1-based): chr14:22,813,151, G>T on the plus strand (C>A on the coding strand, the complement: SLC7A7 is on the minus strand). VCF-style: chr14-22813151-G-T. GRCh37 (hg19) VCF-style: chr14-23282360-G-T.
Other names: c.248C>A, p.Ser83Tyr (NM_001126105.3, NM_001126106.4); short protein forms S83Y.
Identifiers: ClinVar variation 2099835 (VCV002099835.4), dbSNP rs2501976059, ClinGen allele CA388922429.